The following is an entry in ClinVar:

ClinVar aggregate classification (germline): Uncertain significance (1 of 4 stars; one submission).

Conditions:
Familial hypobetalipoproteinemia 1. Also called: APOB-Related Familial Hypobetalipoproteinemia; Hypobetalipoproteinemia, normotriglyceridemic; Acanthocytosis with hypobetalipoproteinemia. Identifiers: MedGen C4551990, MONDO:0014252, OMIM 615558.
Hypercholesterolemia, autosomal dominant, type B (FHCL2). Also called: Familial Hypercholesterolemia Type B; APOLIPOPROTEIN B-100, FAMILIAL DEFECTIVE; APOLIPOPROTEIN B-100, FAMILIAL LIGAND-DEFECTIVE; HYPERCHOLESTEROLEMIA, FAMILIAL, DUE TO LIGAND-DEFECTIVE APOLIPOPROTEIN B; APOB-Related Familial Hypercholesterolemia, Autosomal Dominant; Familial hypercholesterolemia 2. Identifiers: MedGen C1704417, MONDO:0007751, OMIM 144010.

Allele frequency attached by ClinVar (database versions not stated): gnomAD exomes 0.00001.
gnomAD v4.1: 3 of 1,614,072 alleles (0.00019%); highest among the groups gnomAD compares: Non-Finnish European, 0.00025%; no homozygotes.

Submission:

Labcorp Genetics (formerly Invitae), Labcorp
Classification: Uncertain significance for Familial hypobetalipoproteinemia 1; Hypercholesterolemia, autosomal dominant, type B. Last evaluated: 2021-12-24. Review status: criteria provided, single submitter. Criteria: Invitae Variant Classification Sherloc (09022015). Collection method: clinical testing. Allele origin: germline.
Comment: This sequence change replaces isoleucine, which is neutral and non-polar, with threonine, which is neutral and polar, at codon 3856 of the APOB protein (p.Ile3856Thr). This variant is not present in population databases (gnomAD no frequency). This variant has not been reported in the literature in individuals affected with APOB-related conditions. Algorithms developed to predict the effect of missense changes on protein structure and function output the following: SIFT: "Tolerated"; PolyPhen-2: "Benign"; Align-GVGD: "Class C0". The threonine amino acid residue is found in multiple mammalian species, which suggests that this missense change does not adversely affect protein function. In summary, the available evidence is currently insufficient to determine the role of this variant in disease. Therefore, it has been classified as a Variant of Uncertain Significance.

NM_000384.3(APOB):c.11567T>C (p.Ile3856Thr)

Gene: APOB (apolipoprotein B; minus strand). Cytogenetic location: 2p24.1.
Variant type: single nucleotide variant.
Coding change: c.11567T>C on transcript NM_000384.3 (MANE Select); coding-DNA position 11567, T replaced by C.
Protein change: p.Ile3856Thr; replaces isoleucine 3856 with threonine.
Molecular consequence: missense variant.
Genome position (GRCh38, 1-based): chr2:21,005,301, A>G on the plus strand (T>C on the coding strand, the complement: APOB is on the minus strand). VCF-style: chr2-21005301-A-G. GRCh37 (hg19) VCF-style: chr2-21228173-A-G.
Other names: short protein forms I3856T.
Identifiers: ClinVar variation 1370468 (VCV001370468.8), dbSNP rs2103350534, ClinGen allele CA345978027.